The following is an entry in ClinVar:

NM_000038.6(APC):c.74A>C (p.Gln25Pro)

Gene: APC (APC regulator of Wnt signaling pathway; plus strand). Cytogenetic location: 5q22.2.
Variant type: single nucleotide variant.
Coding change: c.74A>C on transcript NM_000038.6 (MANE Select); coding-DNA position 74, A replaced by C.
Protein change: p.Gln25Pro; replaces glutamine 25 with proline.
Molecular consequence: missense variant. On other transcripts: 5 prime UTR variant (1), intron variant (8).
Genome position (GRCh38, 1-based): chr5:112,754,964, A>C. VCF-style: chr5-112754964-A-C. GRCh37 (hg19) VCF-style: chr5-112090661-A-C.
Other names: c.74A>C (NM_000038.5); c.74A>C, p.Gln25Pro (NM_001127510.3, NM_001354895.2, NM_001354896.2 and 2 more transcripts); c.-962A>C (NM_001354906.2); c.166-11362A>C (NM_001354897.2, NM_001354902.2, NM_001127511.3); c.61-11362A>C (NM_001354898.2, NM_001354904.2); c.-42-11362A>C (NM_001354900.2, NM_001354901.2, NM_001354905.2); short protein forms Q25P.
Identifiers: ClinVar variation 1524083 (VCV001524083.9), dbSNP rs876658408, ClinGen allele CA16021498.
Genomic context (GRCh38, chr5:112,754,964, plus strand): 5'-CATATGATCAGTTGTTAAAGCAAGTTGAGGCACTGAAGATGGAGAACTCAAATCTTCGAC[A>C]AGAGCTAGAAGATAATTCCAATCATCTTACAAAACTGGAAACTGAGGCATCTAATATGAA-3'
Protein context (NP_000029.2, residues 15-35): ALKMENSNLR[Gln25Pro]ELEDNSNHLT

ClinVar aggregate classification (germline): Uncertain significance. Review status: criteria provided, multiple submitters, no conflicts (2 of 4 stars). 2 submissions from 2 submitters: Uncertain significance (2). Last evaluated 2025-08-29.

Conditions:
Familial adenomatous polyposis 1 (FAP1). Also called: FAMILIAL ADENOMATOUS POLYPOSIS 1, ATTENUATED; POLYPOSIS, ADENOMATOUS INTESTINAL. Identifiers: MedGen C2713442, MONDO:0021056, OMIM 175100. Disease mechanism: loss of function.
Hereditary cancer-predisposing syndrome. Also called: Hereditary neoplastic syndrome; Hereditary Cancer Syndrome; Tumor predisposition; Neoplastic Syndromes, Hereditary. Identifiers: Orphanet 140162, MedGen C0027672, MeSH D009386, MONDO:0015356.

Submissions (2):

Ambry Genetics
Classification: Uncertain significance for Hereditary cancer-predisposing syndrome. Last evaluated: 2025-08-29. Review status: criteria provided, single submitter. Criteria: Ambry Variant Classification Scheme 2023. Collection method: clinical testing. Allele origin: germline.
Comment: The p.Q25P variant (also known as c.74A>C), located in coding exon 1 of the APC gene, results from an A to C substitution at nucleotide position 74. The glutamine at codon 25 is replaced by proline, an amino acid with similar properties. This amino acid position is conserved. In addition, in silico predictors for this gene do not accurately predict pathogenicity. Based on the available evidence, the clinical significance of this variant remains unclear.

Labcorp Genetics (formerly Invitae), Labcorp
Classification: Uncertain significance for Familial adenomatous polyposis 1. Last evaluated: 2024-11-24. Review status: criteria provided, single submitter. Criteria: Invitae Variant Classification Sherloc (09022015). Collection method: clinical testing. Allele origin: germline.
Comment: This sequence change replaces glutamine, which is neutral and polar, with proline, which is neutral and non-polar, at codon 25 of the APC protein (p.Gln25Pro). This variant is not present in population databases (gnomAD no frequency). This variant has not been reported in the literature in individuals affected with APC-related conditions. ClinVar contains an entry for this variant (Variation ID: 1524083). Invitae Evidence Modeling of protein sequence and biophysical properties (such as structural, functional, and spatial information, amino acid conservation, physicochemical variation, residue mobility, and thermodynamic stability) indicates that this missense variant is not expected to disrupt APC protein function with a negative predictive value of 95%. In summary, the available evidence is currently insufficient to determine the role of this variant in disease. Therefore, it has been classified as a Variant of Uncertain Significance.